The following is an entry in ClinVar:

NM_020821.3(VPS13C):c.1172A>T (p.Gln391Leu)

Gene: VPS13C (vacuolar protein sorting 13 homolog C; minus strand). Cytogenetic location: 15q22.2.
Variant type: single nucleotide variant.
Coding change: c.1172A>T on transcript NM_020821.3 (MANE Select); coding-DNA position 1172, A replaced by T.
Protein change: p.Gln391Leu; replaces glutamine 391 with leucine.
Molecular consequence: missense variant.
Genome position (GRCh38, 1-based): chr15:62,007,426, T>A on the plus strand (A>T on the coding strand, the complement: VPS13C is on the minus strand). VCF-style: chr15-62007426-T-A. GRCh37 (hg19) VCF-style: chr15-62299625-T-A.
Other names: c.1172A>T, p.Gln391Leu (NM_001018088.3); c.1043A>T, p.Gln348Leu (NM_017684.5, NM_018080.4); short protein forms Q348L, Q391L.
Identifiers: ClinVar variation 4874463 (VCV004874463.2).

ClinVar aggregate classification (germline): Uncertain significance (1 of 4 stars; one submission).

Submission:

CeGaT Center for Human Genetics Tuebingen
Classification: Uncertain significance. Last evaluated: 2026-03-01. Review status: criteria provided, single submitter. Criteria: CeGaT Center For Human Genetics Tuebingen Variant Classification Criteria Version 2. Collection method: clinical testing. Allele origin: germline. Affected: yes. Observed: 1 variant allele.
Comment: VPS13C: PM2, BP4